The following is an entry in ClinVar:

NM_020297.4(ABCC9):c.4018C>T (p.Gln1340Ter)

Genes: ABCC9 (ATP binding cassette subfamily C member 9; minus strand), KCNJ8-AS1 (KCNJ8 antisense RNA 1; plus strand). Cytogenetic location: 12p12.1.
Variant type: single nucleotide variant.
Coding change: c.4018C>T on transcript NM_020297.4 (MANE Select); coding-DNA position 4018, C replaced by T.
Protein change: p.Gln1340Ter; replaces glutamine 1340 with a stop codon.
Molecular consequence: nonsense.
Genome position (GRCh38, 1-based): chr12:21,815,768, G>A on the plus strand (C>T on the coding strand, the complement: ABCC9 is on the minus strand). VCF-style: chr12-21815768-G-A. GRCh37 (hg19) VCF-style: chr12-21968702-G-A.
Other names: c.4018C>T, p.Gln1340Ter (NM_001377273.1, NM_005691.4); c.3151C>T, p.Gln1051Ter (NM_001377274.1); c.4018C>T (NM_020297.3); short protein forms Q1051*, Q1340*.
Identifiers: ClinVar variation 2570821 (VCV002570821.28), dbSNP rs1158703930, ClinGen allele CA384136001.

ClinVar aggregate classification (germline): Conflicting classifications of pathogenicity. Review status: criteria provided, conflicting classifications (1 of 4 stars). 2 submissions from 2 submitters: Pathogenic (1); Uncertain significance (1). Last evaluated 2024-12-30.

Conditions:
ABCC9-related disorder. Also called: ABCC9-related condition; ABCC9-related disorders.

Submissions (2):

Rady Children's Institute for Genomic Medicine, Rady Children's Hospital San Diego
Classification: Pathogenic for ABCC9-related disorders. Last evaluated: 2024-12-30. Review status: criteria provided, single submitter. Criteria: ACMG Guidelines, 2015. Collection method: clinical testing. Allele origin: germline. Affected: yes.
Comment: This nonsense variant found in exon 32 of 38 is predicted to result in loss of normal protein function through either protein truncation or nonsense-mediated mRNA decay. This variant has not been previously reported or functionally characterized in the literature to our knowledge. The c.4018C>T(p.Gln1340Ter) variant is absent from the latest version of the gnomAD population database and thus is presumed to be rare. Based on the available evidence, c.4018C>T(p.Gln1340Ter) is classified as Pathogenic.

CeGaT Center for Human Genetics Tuebingen
Classification: Uncertain significance. Last evaluated: 2023-06-01. Review status: criteria provided, single submitter. Criteria: CeGaT Center For Human Genetics Tuebingen Variant Classification Criteria Version 2. Collection method: clinical testing. Allele origin: germline. Affected: yes. Observed: 1 variant allele.
Comment: ABCC9: PM2, PVS1:Supporting